The following is an entry in ClinVar:

NM_002202.3(ISL1):c.526A>G (p.Lys176Glu)

Gene: ISL1 (ISL LIM homeobox 1; plus strand). Cytogenetic location: 5q11.1.
Variant type: single nucleotide variant.
Coding change: c.526A>G on transcript NM_002202.3 (MANE Select); coding-DNA position 526, A replaced by G.
Protein change: p.Lys176Glu; replaces lysine 176 with glutamic acid.
Molecular consequence: missense variant.
Genome position (GRCh38, 1-based): chr5:51,389,693, A>G. VCF-style: chr5-51389693-A-G. GRCh37 (hg19) VCF-style: chr5-50685527-A-G.
Other names: short protein forms K176E.
Identifiers: ClinVar variation 2631945 (VCV002631945.2), dbSNP rs1455600650, ClinGen allele CA359712385.

ClinVar aggregate classification (germline): Uncertain significance (1 of 4 stars; one submission).

Conditions:
ISL1-related disorder. Also called: ISL1-related condition.

Allele frequency attached by ClinVar (database versions not stated): gnomAD exomes below 0.00001; TOPMed 0.00001; gnomAD 0.00003.
gnomAD v4.1: 10 of 1,613,168 alleles (0.00062%); highest among the groups gnomAD compares: Non-Finnish European, 0.00085%; no homozygotes.

Submission:

PreventionGenetics, part of Exact Sciences
Classification: Uncertain significance for ISL1-related condition. Last evaluated: 2026-04-13. Review status: criteria provided, single submitter. Criteria: ACMG Guidelines, 2015. Collection method: clinical testing. Allele origin: germline.
Comment: The ISL1 c.526A>G variant is predicted to result in the amino acid substitution p.Lys176Glu. To our knowledge, this variant has not been reported in the literature. This variant is reported in 0.0016% of alleles in individuals of European (Non-Finnish) descent in gnomAD. At this time, the clinical significance of this variant is uncertain due to the absence of conclusive functional and genetic evidence.